The following is an entry in ClinVar:

NM_001034850.3(RETREG1):c.983A>T (p.Gln328Leu)

Gene: RETREG1 (reticulophagy regulator 1; minus strand). Cytogenetic location: 5p15.1.
Variant type: single nucleotide variant.
Coding change: c.983A>T on transcript NM_001034850.3 (MANE Select); coding-DNA position 983, A replaced by T.
Protein change: p.Gln328Leu; replaces glutamine 328 with leucine.
Molecular consequence: missense variant.
Genome position (GRCh38, 1-based): chr5:16,477,679, T>A on the plus strand (A>T on the coding strand, the complement: RETREG1 is on the minus strand). VCF-style: chr5-16477679-T-A. GRCh37 (hg19) VCF-style: chr5-16477788-T-A.
Other names: c.560A>T, p.Gln187Leu (NM_019000.5); short protein forms Q187L, Q328L.
Identifiers: ClinVar variation 3701920 (VCV003701920.2).

ClinVar aggregate classification (germline): Uncertain significance (1 of 4 stars; one submission).

Submission:

Labcorp Genetics (formerly Invitae), Labcorp
Classification: Uncertain significance. Last evaluated: 2025-01-11. Review status: criteria provided, single submitter. Criteria: Invitae Variant Classification Sherloc (09022015). Collection method: clinical testing. Allele origin: germline.
Comment: This sequence change replaces glutamine, which is neutral and polar, with leucine, which is neutral and non-polar, at codon 328 of the RETREG1 protein (p.Gln328Leu). This variant is not present in population databases (gnomAD no frequency). This variant has not been reported in the literature in individuals affected with RETREG1-related conditions. Invitae Evidence Modeling of protein sequence and biophysical properties (such as structural, functional, and spatial information, amino acid conservation, physicochemical variation, residue mobility, and thermodynamic stability) indicates that this missense variant is not expected to disrupt RETREG1 protein function with a negative predictive value of 80%. In summary, the available evidence is currently insufficient to determine the role of this variant in disease. Therefore, it has been classified as a Variant of Uncertain Significance.